The following is an entry in ClinVar:

ClinVar aggregate classification (germline): Likely benign. Review status: criteria provided, multiple submitters, no conflicts (2 of 4 stars). 4 submissions from 4 submitters: Likely benign (4). Last evaluated 2025-11-21.

Conditions:
Developmental and epileptic encephalopathy, 33 (DEE33). Also called: Epileptic encephalopathy, early infantile, 33. Identifiers: Orphanet 442835, MedGen C4225337, MONDO:0014625, OMIM 616409.

Allele frequency attached by ClinVar (database versions not stated): TOPMed 0.00001; gnomAD 0.00005; gnomAD exomes 0.00007; ExAC 0.00008; ESP Exome Variant Server 0.00008.
gnomAD v4.1: 102 of 1,612,650 alleles (0.0063%); highest among the groups gnomAD compares: Admixed American, 0.0083%; no homozygotes.

Submissions (4):

Labcorp Genetics (formerly Invitae), Labcorp
Classification: Likely benign for Developmental and epileptic encephalopathy, 33. Last evaluated: 2025-11-21. Review status: criteria provided, single submitter. Criteria: Invitae Variant Classification Sherloc (09022015). Collection method: clinical testing. Allele origin: germline.

CeGaT Center for Human Genetics Tuebingen
Classification: Likely benign. Last evaluated: 2025-04-01. Review status: criteria provided, single submitter. Criteria: CeGaT Center For Human Genetics Tuebingen Variant Classification Criteria Version 2. Collection method: clinical testing. Allele origin: germline. Affected: yes. Observed: 4 variant alleles.
Comment: EEF1A2: BP4, BP7

Blueprint Genetics
Classification: Likely benign. Last evaluated: 2024-07-12. Review status: criteria provided, single submitter. Criteria: ACMG Guidelines, 2015. Collection method: clinical testing. Allele origin: germline.

GeneDx
Classification: Likely benign. Last evaluated: 2021-11-02. Review status: criteria provided, single submitter. Criteria: GeneDx Variant Classification Process June 2021. Collection method: clinical testing. Allele origin: germline. Affected: yes.

NM_001958.5(EEF1A2):c.912C>T (p.Pro304=)

Gene: EEF1A2 (eukaryotic translation elongation factor 1 alpha 2; minus strand). Cytogenetic location: 20q13.33.
Variant type: single nucleotide variant.
Coding change: c.912C>T on transcript NM_001958.5 (MANE Select); coding-DNA position 912, C replaced by T.
Protein change: p.Pro304=; no amino-acid change (proline 304 retained).
Molecular consequence: synonymous variant.
Genome position (GRCh38, 1-based): chr20:63,490,596, G>A on the plus strand (C>T on the coding strand, the complement: EEF1A2 is on the minus strand). VCF-style: chr20-63490596-G-A. GRCh37 (hg19) VCF-style: chr20-62121949-G-A.
Identifiers: ClinVar variation 384499 (VCV000384499.40), dbSNP rs370076840, ClinGen allele CA9959009.
Genomic context (GRCh38, chr20:63,490,596, plus strand): 5'-GTTGCCCCGCCGGATGTCCTTCACCGACACGTTCTTCACATTGAAGCCGACGTTGTCGCC[G>A]GGCAGAGCTTCGCTCAGAGCCTCGTGGTGCATCTCCACTGACTTCACCTCAGTGGTGATG-3'
Protein context (NP_001949.1, residues 294-314): MHHEALSEAL[Pro304=]GDNVGFNVKN